The following is an entry in ClinVar:

ClinVar aggregate classification (germline): Uncertain significance (1 of 4 stars; one submission).

Conditions:
Epilepsy, familial focal, with variable foci 3 (FFEVF3). Identifiers: MedGen C4310708, MONDO:0014925, OMIM 617118.

Submission:

Labcorp Genetics (formerly Invitae), Labcorp
Classification: Uncertain significance for Epilepsy, familial focal, with variable foci 3. Last evaluated: 2024-04-09. Review status: criteria provided, single submitter. Criteria: Invitae Variant Classification Sherloc (09022015). Collection method: clinical testing. Allele origin: germline.
Comment: This sequence change replaces aspartic acid, which is acidic and polar, with glycine, which is neutral and non-polar, at codon 558 of the NPRL3 protein (p.Asp558Gly). This variant is not present in population databases (gnomAD no frequency). This variant has not been reported in the literature in individuals affected with NPRL3-related conditions. Experimental studies and prediction algorithms are not available or were not evaluated, and the functional significance of this variant is currently unknown. In summary, the available evidence is currently insufficient to determine the role of this variant in disease. Therefore, it has been classified as a Variant of Uncertain Significance.

NM_001077350.3(NPRL3):c.1673A>G (p.Asp558Gly)

Gene: NPRL3 (NPR3 like, GATOR1 complex subunit; minus strand). Cytogenetic location: 16p13.3.
Variant type: single nucleotide variant.
Coding change: c.1673A>G on transcript NM_001077350.3 (MANE Select); coding-DNA position 1673, A replaced by G.
Protein change: p.Asp558Gly; replaces aspartic acid 558 with glycine.
Molecular consequence: missense variant.
Genome position (GRCh38, 1-based): chr16:86,742, T>C on the plus strand (A>G on the coding strand, the complement: NPRL3 is on the minus strand). VCF-style: chr16-86742-T-C. GRCh37 (hg19) VCF-style: chr16-136741-T-C.
Other names: c.1136A>G, p.Asp379Gly (NM_001039476.3); c.1439A>G, p.Asp480Gly (NM_001243247.2); c.1598A>G, p.Asp533Gly (NM_001243248.2, NM_001243249.2); short protein forms D379G, D533G, D558G, D480G.
Identifiers: ClinVar variation 2873449 (VCV002873449.3), dbSNP rs2542791088, ClinGen allele CA394044136.